The following is an entry in ClinVar:

NM_003803.4(MYOM1):c.920G>C (p.Arg307Pro)

Gene: MYOM1 (myomesin 1; minus strand). Cytogenetic location: 18p11.31.
Variant type: single nucleotide variant.
Coding change: c.920G>C on transcript NM_003803.4 (MANE Select); coding-DNA position 920, G replaced by C.
Protein change: p.Arg307Pro; replaces arginine 307 with proline.
Molecular consequence: missense variant.
Genome position (GRCh38, 1-based): chr18:3,187,489, C>G on the plus strand (G>C on the coding strand, the complement: MYOM1 is on the minus strand). VCF-style: chr18-3187489-C-G. GRCh37 (hg19) VCF-style: chr18-3187487-C-G.
Other names: c.920G>C, p.Arg307Pro (NM_019856.2); short protein forms R307P.
Identifiers: ClinVar variation 239582 (VCV000239582.12), dbSNP rs199520642, ClinGen allele CA8875133.

ClinVar aggregate classification (germline): Uncertain significance. Review status: criteria provided, multiple submitters, no conflicts (2 of 4 stars). 3 submissions from 3 submitters: Uncertain significance (3). Last evaluated 2026-01-12.

Conditions:
Hypertrophic cardiomyopathy. Also called: HYPERTROPHIC MYOCARDIOPATHY. Identifiers: Orphanet 217569, MedGen C0007194, MeSH D002312, MONDO:0005045, HP:0001639.

Allele frequency attached by ClinVar (database versions not stated): gnomAD 0.00006; ExAC 0.00008; ESP Exome Variant Server 0.00008; TOPMed 0.00009; 1000 Genomes Project 0.00020; 1000 Genomes Project 30x 0.00031.
gnomAD v4.1: 301 of 1,613,266 alleles (0.019%); highest among the groups gnomAD compares: Non-Finnish European, 0.024%; no homozygotes.

Submissions (3):

Labcorp Genetics (formerly Invitae), Labcorp
Classification: Uncertain significance for Hypertrophic cardiomyopathy. Last evaluated: 2026-01-12. Review status: criteria provided, single submitter. Criteria: Invitae Variant Classification Sherloc (09022015). Collection method: clinical testing. Allele origin: germline.
Comment: This sequence change replaces arginine, which is basic and polar, with proline, which is neutral and non-polar, at codon 307 of the MYOM1 protein (p.Arg307Pro). This variant is present in population databases (rs199520642, gnomAD 0.01%). This variant has not been reported in the literature in individuals affected with MYOM1-related conditions. ClinVar contains an entry for this variant (Variation ID: 239582). Invitae Evidence Modeling of protein sequence and biophysical properties (such as structural, functional, and spatial information, amino acid conservation, physicochemical variation, residue mobility, and thermodynamic stability) indicates that this missense variant is not expected to disrupt MYOM1 protein function with a negative predictive value of 80%. In summary, the available evidence is currently insufficient to determine the role of this variant in disease. Therefore, it has been classified as a Variant of Uncertain Significance.

Ambry Genetics
Classification: Uncertain significance. Last evaluated: 2025-02-27. Review status: criteria provided, single submitter. Criteria: Ambry Variant Classification Scheme 2023. Collection method: clinical testing. Allele origin: germline.

Breakthrough Genomics
Classification: Uncertain significance. Review status: criteria provided, single submitter. Criteria: ACMG Guidelines, 2015. Collection method: not provided. Allele origin: germline. Inheritance: Unknown mechanism. Affected: yes.